The following is an entry in ClinVar:

NM_001136193.2(FASTKD2):c.1834A>G (p.Thr612Ala)

Gene: FASTKD2 (FAST kinase domains 2; plus strand). Cytogenetic location: 2q33.3.
Variant type: single nucleotide variant.
Coding change: c.1834A>G on transcript NM_001136193.2 (MANE Select); coding-DNA position 1834, A replaced by G.
Protein change: p.Thr612Ala; replaces threonine 612 with alanine.
Molecular consequence: missense variant.
Genome position (GRCh38, 1-based): chr2:206,788,839, A>G. VCF-style: chr2-206788839-A-G. GRCh37 (hg19) VCF-style: chr2-207653563-A-G.
Other names: c.1834A>G, p.Thr612Ala (NM_001136194.2, NM_014929.4); short protein forms T612A.
Identifiers: ClinVar variation 2051065 (VCV002051065.4), dbSNP rs777153470, ClinGen allele CA2075272.
Genomic context (GRCh38, chr2:206,788,839, plus strand): 5'-AGGAATGTTTGAAAAATTAATATCAATTCTTTCCTTTCAGATTTTGAAATCAGAATGGAC[A>G]CTAACAGGAATCAAGTGCTACCACTTTCTGATGTGGATACAACTTCTGCTACAGATATTC-3'
Protein context (NP_001129665.1, residues 602-622): YHIDFEIRMD[Thr612Ala]NRNQVLPLSD

ClinVar aggregate classification (germline): Uncertain significance (1 of 4 stars; one submission).

Allele frequency attached by ClinVar (database versions not stated): gnomAD exomes below 0.00001; ExAC 0.00001.
gnomAD v4.1: 1 of 1,562,194 alleles (0.000064%); highest among the groups gnomAD compares: Non-Finnish European, 0.000088%; no homozygotes.

Submission:

Labcorp Genetics (formerly Invitae), Labcorp
Classification: Uncertain significance. Last evaluated: 2021-12-21. Review status: criteria provided, single submitter. Criteria: Invitae Variant Classification Sherloc (09022015). Collection method: clinical testing. Allele origin: germline.
Comment: This sequence change replaces threonine, which is neutral and polar, with alanine, which is neutral and non-polar, at codon 612 of the FASTKD2 protein (p.Thr612Ala). This variant is present in population databases (rs777153470, gnomAD 0.0009%). This variant has not been reported in the literature in individuals affected with FASTKD2-related conditions. Algorithms developed to predict the effect of missense changes on protein structure and function output the following: SIFT: "Tolerated"; PolyPhen-2: "Benign"; Align-GVGD: "Class C0". The alanine amino acid residue is found in multiple mammalian species, which suggests that this missense change does not adversely affect protein function. In summary, the available evidence is currently insufficient to determine the role of this variant in disease. Therefore, it has been classified as a Variant of Uncertain Significance.